The following is an entry in ClinVar:

ClinVar aggregate classification (germline): Conflicting classifications of pathogenicity. Review status: criteria provided, conflicting classifications (1 of 4 stars). 4 submissions from 4 submitters: Uncertain significance (1); Likely benign (3). Last evaluated 2025-04-07.

Conditions:
Ataxia-telangiectasia syndrome (AT). Also called: Ataxia telangiectasia (A-T); LOUIS-BAR SYNDROME; Cerebello-oculocutaneous telangiectasia; Immunodeficiency with ataxia telangiectasia; Ataxia-telangiectasia, complementation group D; AT, COMPLEMENTATION GROUP C. Identifiers: Orphanet 100, MedGen C0004135, MONDO:0008840, OMIM 208900.
Hereditary cancer-predisposing syndrome. Also called: Hereditary neoplastic syndrome; Neoplastic Syndromes, Hereditary; Tumor predisposition; Hereditary Cancer Syndrome. Identifiers: Orphanet 140162, MedGen C0027672, MeSH D009386, MONDO:0015356.
Familial cancer of breast. Also called: Hereditary breast cancer; hereditary breast carcinoma; BREAST CANCER, FAMILIAL. Identifiers: Orphanet 227535, MedGen C0346153, MONDO:0016419, OMIM 114480. Disease mechanism: loss of function.

Submissions (4):

Labcorp Genetics (formerly Invitae), Labcorp
Classification: Likely benign for Ataxia-telangiectasia syndrome. Last evaluated: 2025-04-07. Review status: criteria provided, single submitter. Criteria: Invitae Variant Classification Sherloc (09022015). Collection method: clinical testing. Allele origin: germline.

Myriad Genetics, Inc.
Classification: Likely benign for Familial cancer of breast. Last evaluated: 2024-06-20. Review status: criteria provided, single submitter. Criteria: Myriad Autosomal Dominant, Autosomal Recessive and X-Linked Classification Criteria (2023). Collection method: clinical testing. Allele origin: unknown.
Comment: This variant is considered likely benign. This variant is intronic and is not expected to impact mRNA splicing.

Ambry Genetics
Classification: Likely benign for Hereditary cancer-predisposing syndrome. Last evaluated: 2024-01-09. Review status: criteria provided, single submitter. Criteria: Ambry Variant Classification Scheme 2023. Collection method: clinical testing. Allele origin: germline.

Blueprint Genetics
Classification: Uncertain significance. Last evaluated: 2017-08-14. Review status: criteria provided, single submitter. Criteria: ACMG Guidelines, 2015. Collection method: clinical testing. Allele origin: germline.

NM_000051.4(ATM):c.8585-4C>T

Genes: ATM (ATM serine/threonine kinase; plus strand), C11orf65 (chromosome 11 open reading frame 65; minus strand). Cytogenetic location: 11q22.3.
Variant type: single nucleotide variant.
Coding change: c.8585-4C>T on transcript NM_000051.4 (MANE Select); 4 bases into the intron before coding-DNA position 8585, C replaced by T.
Molecular consequence: intron variant.
Genome position (GRCh38, 1-based): chr11:108,347,275, C>T. VCF-style: chr11-108347275-C-T. GRCh37 (hg19) VCF-style: chr11-108218002-C-T.
Other names: c.8585-4C>T (NM_001351834.2); c.641-38204G>A (NM_001330368.2); c.695-11983G>A (NM_001351110.2).
Identifiers: ClinVar variation 1663928 (VCV001663928.12), dbSNP rs1555139447, ClinGen allele CA2573146483.